The following is an entry in ClinVar:

NM_006269.2(RP1):c.2570C>G (p.Ser857Ter)

Gene: RP1 (RP1 axonemal microtubule associated; plus strand). Cytogenetic location: 8q12.1.
Variant type: single nucleotide variant.
Coding change: c.2570C>G on transcript NM_006269.2 (MANE Select); coding-DNA position 2570, C replaced by G.
Protein change: p.Ser857Ter; replaces serine 857 with a stop codon.
Molecular consequence: nonsense.
Genome position (GRCh38, 1-based): chr8:54,626,452, C>G. VCF-style: chr8-54626452-C-G. GRCh37 (hg19) VCF-style: chr8-55539012-C-G.
Other names: short protein forms S857*.
Identifiers: ClinVar variation 391250 (VCV000391250.10), dbSNP rs1057524016, ClinGen allele CA16606128.

ClinVar aggregate classification (germline): Pathogenic. Review status: criteria provided, multiple submitters, no conflicts (2 of 4 stars). 3 submissions from 3 submitters: Pathogenic (3). Last evaluated 2025-05-25.

Conditions:
RP1-related disorder. Also called: RP1-related condition.

Submissions (3):

Labcorp Genetics (formerly Invitae), Labcorp
Classification: Pathogenic. Last evaluated: 2025-05-25. Review status: criteria provided, single submitter. Criteria: Invitae Variant Classification Sherloc (09022015). Collection method: clinical testing. Allele origin: germline.
Comment: This sequence change creates a premature translational stop signal (p.Ser857*) in the RP1 gene. While this is not anticipated to result in nonsense mediated decay, it is expected to disrupt the last 1300 amino acid(s) of the RP1 protein. This variant is not present in population databases (gnomAD no frequency). This premature translational stop signal has been observed in individuals with autosomal dominant retinitis pigmentosa (internal data). ClinVar contains an entry for this variant (Variation ID: 391250). This variant disrupts a region of the RP1 protein in which other variant(s) (p.Arg1933*) have been determined to be pathogenic (PMID: 31253780; internal data). This suggests that this is a clinically significant region of the protein, and that variants that disrupt it are likely to be disease-causing. For these reasons, this variant has been classified as Pathogenic.

Blueprint Genetics
Classification: Pathogenic for RP1-related disorders. Last evaluated: 2022-01-14. Review status: criteria provided, single submitter. Criteria: ACMG Guidelines, 2015. Collection method: clinical testing. Allele origin: germline. Affected: yes. Observed: 2 variant alleles.

GeneDx
Classification: Pathogenic. Last evaluated: 2016-12-19. Review status: criteria provided, single submitter. Criteria: GeneDx Variant Classification (06012015). Collection method: clinical testing. Allele origin: germline. Affected: yes.
Comment: The S857X variant in the RP1 gene has not been reported previously as a pathogenic variant nor as a benign variant, to our knowledge. This variant is predicted to cause loss of normal protein function either through protein truncation or nonsense-mediated mRNA decay. The S857X variant was not observed in approximately 6,500 individuals of European and African American ancestry in the NHLBI Exome Sequencing Project, indicating it is not a common benign variant in these populations. We interpret S857X as a pathogenic pathogenic variant.

Literature cited by the submitters: PubMed 31253780 (cited by Labcorp Genetics (formerly Invitae), Labcorp).